The following is an entry in ClinVar:

NM_006565.4(CTCF):c.1318C>T (p.Pro440Ser)

Gene: CTCF (CCCTC-binding factor; plus strand). Cytogenetic location: 16q22.1.
Variant type: single nucleotide variant.
Coding change: c.1318C>T on transcript NM_006565.4 (MANE Select); coding-DNA position 1318, C replaced by T.
Protein change: p.Pro440Ser; replaces proline 440 with serine.
Molecular consequence: missense variant.
Genome position (GRCh38, 1-based): chr16:67,621,552, C>T. VCF-style: chr16-67621552-C-T. GRCh37 (hg19) VCF-style: chr16-67655455-C-T.
Other names: c.334C>T, p.Pro112Ser (NM_001191022.2); c.1318C>T, p.Pro440Ser (NM_001363916.2); short protein forms P112S, P440S.
Identifiers: ClinVar variation 2580541 (VCV002580541.1), dbSNP rs2543472694, ClinGen allele CA396316157.
Genomic context (GRCh38, chr16:67,621,552, plus strand): 5'-GGTACCATGAAGATGCACATTTTACAGAAGCACACAGAAAATGTGGCCAAATTTCACTGT[C>T]CCCACTGTGACACAGTCATAGCCCGAAAAAGTGATTTGGGTAAGTAGATTAACTAGTGAG-3'
Protein context (NP_006556.1, residues 430-450): HTENVAKFHC[Pro440Ser]HCDTVIARKS

ClinVar aggregate classification (germline): Uncertain significance (1 of 4 stars; one submission).

Submission:

GeneDx
Classification: Uncertain significance. Last evaluated: 2023-03-20. Review status: criteria provided, single submitter. Criteria: GeneDx Variant Classification Process June 2021. Collection method: clinical testing. Allele origin: germline. Affected: yes.
Comment: Not observed at significant frequency in large population cohorts (gnomAD); In silico analysis supports that this missense variant has a deleterious effect on protein structure/function; Has not been previously published as pathogenic or benign to our knowledge